The following is an entry in ClinVar:

NM_002055.5(GFAP):c.1180C>G (p.Leu394Val)

Gene: GFAP (glial fibrillary acidic protein; minus strand). Cytogenetic location: 17q21.31.
Variant type: single nucleotide variant.
Coding change: c.1180C>G on transcript NM_002055.5 (MANE Select); coding-DNA position 1180, C replaced by G.
Protein change: p.Leu394Val; replaces leucine 394 with valine.
Molecular consequence: missense variant.
Genome position (GRCh38, 1-based): chr17:44,908,141, G>C on the plus strand (C>G on the coding strand, the complement: GFAP is on the minus strand). VCF-style: chr17-44908141-G-C. GRCh37 (hg19) VCF-style: chr17-42985509-G-C.
Other names: c.1300C>G, p.Leu434Val (NM_001363846.2); short protein forms L394V, L434V.
Identifiers: ClinVar variation 4527655 (VCV004527655.1).

ClinVar aggregate classification (germline): Uncertain significance (1 of 4 stars; one submission).

Submission:

GeneDx
Classification: Uncertain significance. Last evaluated: 2025-04-28. Review status: criteria provided, single submitter. Criteria: GeneDx Variant Classification Process June 2021. Collection method: clinical testing. Allele origin: germline. Affected: yes.
Comment: Not observed at significant frequency in large population cohorts (gnomAD); In silico analysis indicates that this missense variant does not alter protein structure/function; Has not been previously published as pathogenic or benign to our knowledge